The following is an entry in ClinVar:

ClinVar aggregate classification (germline): Uncertain significance (1 of 4 stars; one submission).

Submission:

Ambry Genetics
Classification: Uncertain significance. Last evaluated: 2026-02-19. Review status: criteria provided, single submitter. Criteria: Ambry Variant Classification Scheme 2023. Collection method: clinical testing. Allele origin: germline.
Comment: The p.L1963R variant (also known as c.5888T>G), located in coding exon 23 of the WNK2 gene, results from a T to G substitution at nucleotide position 5888. The leucine at codon 1963 is replaced by arginine, an amino acid with dissimilar properties. This amino acid position is conserved. In addition, the in silico prediction for this alteration is inconclusive. Based on the available evidence, the clinical significance of this variant remains unclear.

NM_006648.4(WNK2):c.5888T>G (p.Leu1963Arg)

Gene: WNK2 (WNK lysine deficient protein kinase 2; plus strand). Cytogenetic location: 9q22.31.
Variant type: single nucleotide variant.
Coding change: c.5888T>G on transcript NM_006648.4 (MANE Select); coding-DNA position 5888, T replaced by G.
Protein change: p.Leu1963Arg; replaces leucine 1963 with arginine.
Molecular consequence: missense variant.
Genome position (GRCh38, 1-based): chr9:93,298,032, T>G. VCF-style: chr9-93298032-T-G. GRCh37 (hg19) VCF-style: chr9-96060314-T-G.
Other names: c.5999T>G, p.Leu2000Arg (NM_001282394.3); short protein forms L1963R, L2000R.
Identifiers: ClinVar variation 4844912 (VCV004844912.1).